The following is an entry in ClinVar:

ClinVar aggregate classification (germline): Pathogenic (1 of 4 stars; one submission).

Conditions:
Retinoblastoma (RB1). Also called: RETINOBLASTOMA, SOMATIC. Identifiers: Orphanet 790, MedGen C0035335, MeSH D012175, MONDO:0008380, OMIM 180200, HP:0009919. Disease mechanism: loss of function. Inheritance: Both sporadic and heritable forms are tested..

Submission:

Genetic Diagnostic Laboratory, University of Pennsylvania School of Medicine
Classification: Pathogenic for Retinoblastoma. Last evaluated: 2024-05-20. Review status: criteria provided, single submitter. Criteria: ACMG Guidelines, 2015. Collection method: clinical testing. Allele origin: germline. Affected: yes. Observed: 1 variant allele.
Comment: Case and Pedigree Information: BILATERAL CASES:1, UNILATERAL CASES:0, TOTAL CASES:1, PEDIGREES:1. ACMG Codes Applied:PVS1, PM2

NM_000321.3(RB1):c.1695+2T>A

Gene: RB1 (RB transcriptional corepressor 1; plus strand). Cytogenetic location: 13q14.2.
Variant type: single nucleotide variant.
Coding change: c.1695+2T>A on transcript NM_000321.3 (MANE Select); the canonical splice donor site of the intron after coding-DNA position 1695, T replaced by A.
Molecular consequence: splice donor variant. On other transcripts: missense variant (1).
Genome position (GRCh38, 1-based): chr13:48,381,445, T>A. VCF-style: chr13-48381445-T-A. GRCh37 (hg19) VCF-style: chr13-48955581-T-A.
Other names: c.1697T>A, p.Val566Glu (NM_001407166.1); c.1695+2T>A (NM_001407165.1); short protein forms V566E.
Identifiers: ClinVar variation 3237020 (VCV003237020.1), dbSNP rs2138145859.